The following is an entry in ClinVar:

ClinVar aggregate classification (germline): Uncertain significance (1 of 4 stars; one submission).

Conditions:
Congenital myasthenic syndrome 12 (CMS12). Also called: MYASTHENIC SYNDROME, CONGENITAL, WITH TUBULAR AGGREGATES 1; Myasthenia, congenital, 12, with tubular aggregates. Identifiers: Orphanet 353327, Orphanet 590, MedGen C3552335, MONDO:0012518, OMIM 610542.

gnomAD v4.1: 16 of 1,601,800 alleles (0.001%); highest among the groups gnomAD compares: African/African-American, 0.0013%; no homozygotes.

Submission:

Labcorp Genetics (formerly Invitae), Labcorp
Classification: Uncertain significance for Congenital myasthenic syndrome 12. Last evaluated: 2024-10-23. Review status: criteria provided, single submitter. Criteria: Invitae Variant Classification Sherloc (09022015). Collection method: clinical testing. Allele origin: germline.
Comment: This sequence change replaces serine, which is neutral and polar, with cysteine, which is neutral and slightly polar, at codon 138 of the GFPT1 protein (p.Ser138Cys). This variant is present in population databases (rs762212709, gnomAD 0.0009%). This variant has not been reported in the literature in individuals affected with GFPT1-related conditions. Invitae Evidence Modeling of protein sequence and biophysical properties (such as structural, functional, and spatial information, amino acid conservation, physicochemical variation, residue mobility, and thermodynamic stability) indicates that this missense variant is not expected to disrupt GFPT1 protein function with a negative predictive value of 80%. In summary, the available evidence is currently insufficient to determine the role of this variant in disease. Therefore, it has been classified as a Variant of Uncertain Significance.

NM_001244710.2(GFPT1):c.412A>T (p.Ser138Cys)

Gene: GFPT1 (glutamine--fructose-6-phosphate transaminase 1; minus strand). Cytogenetic location: 2p13.3.
Variant type: single nucleotide variant.
Coding change: c.412A>T on transcript NM_001244710.2 (MANE Select); coding-DNA position 412, A replaced by T.
Protein change: p.Ser138Cys; replaces serine 138 with cysteine.
Molecular consequence: missense variant.
Genome position (GRCh38, 1-based): chr2:69,358,460, T>A on the plus strand (A>T on the coding strand, the complement: GFPT1 is on the minus strand). VCF-style: chr2-69358460-T-A. GRCh37 (hg19) VCF-style: chr2-69585592-T-A.
Other names: c.412A>T, p.Ser138Cys (NM_002056.4); short protein forms S138C.
Identifiers: ClinVar variation 3696618 (VCV003696618.2).
Genomic context (GRCh38, chr2:69,358,460, plus strand): 5'-ACTTAACGAGCTTGGCAATTGTCTCTGTGTCTGTTTCAGATTCGAAGTCATAGCCTTTGC[T>A]TTCCTGTAAGTAGAAAGAAAAAAAAGATACAATTAAAGAAATATTAATGATAAAAAAACC-3'
Protein context (NP_001231639.1, residues 128-148): NYKDLKKFLE[Ser138Cys]KGYDFESETD